The following is an entry in ClinVar:

NM_000246.4(CIITA):c.19C>A (p.Arg7Ser)

Genes: CIITA (class II major histocompatibility complex transactivator; plus strand), LOC130058443 (ATAC-STARR-seq lymphoblastoid active region 10394; plus strand). Cytogenetic location: 16p13.13.
Variant type: single nucleotide variant.
Coding change: c.19C>A on transcript NM_000246.4 (MANE Select); coding-DNA position 19, C replaced by A.
Protein change: p.Arg7Ser; replaces arginine 7 with serine.
Molecular consequence: missense variant. On other transcripts: non-coding transcript variant (1).
Genome position (GRCh38, 1-based): chr16:10,877,349, C>A. VCF-style: chr16-10877349-C-A. GRCh37 (hg19) VCF-style: chr16-10971206-C-A.
Other names: c.19C>A, p.Arg7Ser (NM_001286402.1, NM_001286403.2, NM_001379330.1 and 3 more transcripts); short protein forms R7S.
Identifiers: ClinVar variation 2179059 (VCV002179059.4), dbSNP rs202176090, ClinGen allele CA394725267.

ClinVar aggregate classification (germline): Uncertain significance (1 of 4 stars; one submission).

Conditions:
MHC class II deficiency. Also called: Bare lymphocyte syndrome 2; BLS, TYPE II. Identifiers: Orphanet 572, MedGen C5447452, MONDO:0008855.

gnomAD v4.1: 8 of 1,613,274 alleles (0.0005%); highest among the groups gnomAD compares: Admixed American, 0.013%; no homozygotes.

Submission:

Labcorp Genetics (formerly Invitae), Labcorp
Classification: Uncertain significance for MHC class II deficiency. Last evaluated: 2024-01-15. Review status: criteria provided, single submitter. Criteria: Invitae Variant Classification Sherloc (09022015). Collection method: clinical testing. Allele origin: germline.
Comment: This sequence change replaces arginine, which is basic and polar, with serine, which is neutral and polar, at codon 7 of the CIITA protein (p.Arg7Ser). This variant is present in population databases (no rsID available, gnomAD 0.02%). This variant has not been reported in the literature in individuals affected with CIITA-related conditions. ClinVar contains an entry for this variant (Variation ID: 2179059). An algorithm developed to predict the effect of missense changes on protein structure and function (PolyPhen-2) suggests that this variant is likely to be tolerated. In summary, the available evidence is currently insufficient to determine the role of this variant in disease. Therefore, it has been classified as a Variant of Uncertain Significance.